The following is an entry in ClinVar:

ClinVar aggregate classification (germline): Uncertain significance. Review status: criteria provided, multiple submitters, no conflicts (2 of 4 stars). 2 submissions from 2 submitters: Uncertain significance (2). Last evaluated 2025-09-22.

Conditions:
BAP1-related tumor predisposition syndrome (TPDS1). Also called: Tumor susceptibility linked to germline BAP1 mutations; COMMON Syndrome; TUMOR PREDISPOSITION SYNDROME 1; BAP1 tumor predisposition syndrome. Identifiers: Orphanet 289539, MedGen C3280492, MONDO:0013692, OMIM 614327.
Hereditary cancer-predisposing syndrome. Also called: Tumor predisposition; Hereditary neoplastic syndrome; Hereditary Cancer Syndrome; Neoplastic Syndromes, Hereditary. Identifiers: Orphanet 140162, MedGen C0027672, MeSH D009386, MONDO:0015356.

Allele frequency attached by ClinVar (database versions not stated): TOPMed below 0.00001; gnomAD 0.00001.

Submissions (2):

Labcorp Genetics (formerly Invitae), Labcorp
Classification: Uncertain significance for BAP1-related tumor predisposition syndrome. Last evaluated: 2025-09-22. Review status: criteria provided, single submitter. Criteria: Invitae Variant Classification Sherloc (09022015). Collection method: clinical testing. Allele origin: germline.
Comment: This sequence change replaces tyrosine, which is neutral and polar, with asparagine, which is neutral and polar, at codon 44 of the BAP1 protein (p.Tyr44Asn). This variant is not present in population databases (gnomAD no frequency). This variant has not been reported in the literature in individuals affected with BAP1-related conditions. ClinVar contains an entry for this variant (Variation ID: 1171325). Invitae Evidence Modeling of protein sequence and biophysical properties (such as structural, functional, and spatial information, amino acid conservation, physicochemical variation, residue mobility, and thermodynamic stability) indicates that this missense variant is expected to disrupt BAP1 protein function with a positive predictive value of 80%. In summary, the available evidence is currently insufficient to determine the role of this variant in disease. Therefore, it has been classified as a Variant of Uncertain Significance.

Color Diagnostics, LLC DBA Color Health
Classification: Uncertain significance for Hereditary cancer-predisposing syndrome. Last evaluated: 2024-03-06. Review status: criteria provided, single submitter. Criteria: ACMG Guidelines, 2015. Collection method: clinical testing. Allele origin: germline.
Comment: This missense variant replaces tyrosine with asparagine at codon 44 of the BAP1 protein. Computational prediction suggests that this variant may have deleterious impact on protein structure and function (internally defined REVEL score threshold >= 0.7, PMID: 27666373). To our knowledge, functional studies have not been reported for this variant. This variant has not been reported in individuals affected with hereditary cancer in the literature. This variant has not been identified in the general population by the Genome Aggregation Database (gnomAD). The available evidence is insufficient to determine the role of this variant in disease conclusively. Therefore, this variant is classified as a Variant of Uncertain Significance.

NM_004656.4(BAP1):c.130T>A (p.Tyr44Asn)

Gene: BAP1 (BRCA1 associated deubiquitinase 1; minus strand). Cytogenetic location: 3p21.1.
Variant type: single nucleotide variant.
Coding change: c.130T>A on transcript NM_004656.4 (MANE Select); coding-DNA position 130, T replaced by A.
Protein change: p.Tyr44Asn; replaces tyrosine 44 with asparagine.
Molecular consequence: missense variant.
Genome position (GRCh38, 1-based): chr3:52,408,599, A>T on the plus strand (T>A on the coding strand, the complement: BAP1 is on the minus strand). VCF-style: chr3-52408599-A-T. GRCh37 (hg19) VCF-style: chr3-52442615-A-T.
Other names: short protein forms Y44N.
Identifiers: ClinVar variation 1171325 (VCV001171325.4), dbSNP rs1384507048, ClinGen allele CA353113807.